The following is an entry in ClinVar:

NM_004281.4(BAG3):c.314A>T (p.Asn105Ile)

Gene: BAG3 (BAG cochaperone 3; plus strand). Cytogenetic location: 10q26.11.
Variant type: single nucleotide variant.
Coding change: c.314A>T on transcript NM_004281.4 (MANE Select); coding-DNA position 314, A replaced by T.
Protein change: p.Asn105Ile; replaces asparagine 105 with isoleucine.
Molecular consequence: missense variant.
Genome position (GRCh38, 1-based): chr10:119,669,984, A>T. VCF-style: chr10-119669984-A-T. GRCh37 (hg19) VCF-style: chr10-121429496-A-T.
Other names: short protein forms N105I.
Identifiers: ClinVar variation 4613740 (VCV004613740.1).

ClinVar aggregate classification (germline): Uncertain significance (1 of 4 stars; one submission).

Conditions:
Cardiovascular phenotype. Identifiers: MedGen CN230736.

gnomAD v4.1: 1 of 1,614,190 alleles (0.000062%); highest among the groups gnomAD compares: Admixed American, 0.0017%; no homozygotes.

Submission:

Ambry Genetics
Classification: Uncertain significance for Cardiovascular phenotype. Last evaluated: 2025-10-05. Review status: criteria provided, single submitter. Criteria: Ambry Variant Classification Scheme 2023. Collection method: clinical testing. Allele origin: germline.
Comment: The p.N105I variant (also known as c.314A>T), located in coding exon 2 of the BAG3 gene, results from an A to T substitution at nucleotide position 314. The asparagine at codon 105 is replaced by isoleucine, an amino acid with dissimilar properties. This amino acid position is conserved. In addition, this alteration is predicted to be tolerated by in silico analysis. Based on the available evidence, the clinical significance of this variant remains unclear.